The following is an entry in ClinVar:

ClinVar aggregate classification (germline): Uncertain significance (1 of 4 stars; one submission).

Submission:

Labcorp Genetics (formerly Invitae), Labcorp
Classification: Uncertain significance. Last evaluated: 2022-03-24. Review status: criteria provided, single submitter. Criteria: Invitae Variant Classification Sherloc (09022015). Collection method: clinical testing. Allele origin: germline.
Comment: In summary, the available evidence is currently insufficient to determine the role of this variant in disease. Therefore, it has been classified as a Variant of Uncertain Significance. Algorithms developed to predict the effect of missense changes on protein structure and function output the following: SIFT: "Tolerated"; PolyPhen-2: "Benign"; Align-GVGD: "Class C0". The aspartic acid amino acid residue is found in multiple mammalian species, which suggests that this missense change does not adversely affect protein function. This variant has not been reported in the literature in individuals affected with C1QC-related conditions. This variant is not present in population databases (gnomAD no frequency). This sequence change replaces glutamic acid, which is acidic and polar, with aspartic acid, which is acidic and polar, at codon 215 of the C1QC protein (p.Glu215Asp).

NM_172369.5(C1QC):c.645G>T (p.Glu215Asp)

Gene: C1QC (complement C1q C chain; plus strand). Cytogenetic location: 1p36.12.
Variant type: single nucleotide variant.
Coding change: c.645G>T on transcript NM_172369.5 (MANE Select); coding-DNA position 645, G replaced by T.
Protein change: p.Glu215Asp; replaces glutamic acid 215 with aspartic acid.
Molecular consequence: missense variant.
Genome position (GRCh38, 1-based): chr1:22,647,690, G>T. VCF-style: chr1-22647690-G-T. GRCh37 (hg19) VCF-style: chr1-22974183-G-T.
Other names: c.645G>T, p.Glu215Asp (NM_001114101.3, NM_001347619.2); c.378G>T, p.Glu126Asp (NM_001347620.2); short protein forms E126D, E215D.
Identifiers: ClinVar variation 2039154 (VCV002039154.4), dbSNP rs2522228143, ClinGen allele CA338938734.